The following is an entry in ClinVar:

NM_025144.4(ALPK1):c.2029C>G (p.His677Asp)

Gene: ALPK1 (alpha kinase 1; plus strand). Cytogenetic location: 4q25.
Variant type: single nucleotide variant.
Coding change: c.2029C>G on transcript NM_025144.4 (MANE Select); coding-DNA position 2029, C replaced by G.
Protein change: p.His677Asp; replaces histidine 677 with aspartic acid.
Molecular consequence: missense variant.
Genome position (GRCh38, 1-based): chr4:112,431,576, C>G. VCF-style: chr4-112431576-C-G. GRCh37 (hg19) VCF-style: chr4-113352732-C-G.
Other names: c.2029C>G, p.His677Asp (NM_001102406.2); c.1795C>G, p.His599Asp (NM_001253884.2); short protein forms H599D, H677D.
Identifiers: ClinVar variation 3009305 (VCV003009305.3), dbSNP rs770931011, ClinGen allele CA3046843.
Genomic context (GRCh38, chr4:112,431,576, plus strand): 5'-AATTTGGAGCCTTCTCAAAATCAGCCACAGCAACAGATGCCCTTGACACCCTTCTCGCCT[C>G]ATAATACCCCAGGCATTTTCTTGGCCCCTGGTGCAGGGCTTCTAGAAGGAGCTCCAGAAG-3'
Protein context (NP_079420.3, residues 667-687): QQMPLTPFSP[His677Asp]NTPGIFLAPG

ClinVar aggregate classification (germline): Uncertain significance (1 of 4 stars; one submission).

Allele frequency attached by ClinVar (database versions not stated): ExAC 0.00001; gnomAD 0.00001; TOPMed 0.00002.
gnomAD v4.1: 15 of 1,614,088 alleles (0.00093%); highest among the groups gnomAD compares: Non-Finnish European, 0.00017%; no homozygotes.

Submission:

Labcorp Genetics (formerly Invitae), Labcorp
Classification: Uncertain significance. Last evaluated: 2024-12-31. Review status: criteria provided, single submitter. Criteria: Invitae Variant Classification Sherloc (09022015). Collection method: clinical testing. Allele origin: germline.
Comment: This sequence change replaces histidine, which is basic and polar, with aspartic acid, which is acidic and polar, at codon 677 of the ALPK1 protein (p.His677Asp). This variant is present in population databases (rs770931011, gnomAD 0.03%). This variant has not been reported in the literature in individuals affected with ALPK1-related conditions. ClinVar contains an entry for this variant (Variation ID: 3009305). Invitae Evidence Modeling of protein sequence and biophysical properties (such as structural, functional, and spatial information, amino acid conservation, physicochemical variation, residue mobility, and thermodynamic stability) indicates that this missense variant is not expected to disrupt ALPK1 protein function with a negative predictive value of 80%. In summary, the available evidence is currently insufficient to determine the role of this variant in disease. Therefore, it has been classified as a Variant of Uncertain Significance.